The following is an entry in ClinVar:

NM_006031.6(PCNT):c.5908A>G (p.Met1970Val)

Gene: PCNT (pericentrin; plus strand). Cytogenetic location: 21q22.3.
Variant type: single nucleotide variant.
Coding change: c.5908A>G on transcript NM_006031.6 (MANE Select); coding-DNA position 5908, A replaced by G.
Protein change: p.Met1970Val; replaces methionine 1970 with valine.
Molecular consequence: missense variant.
Genome position (GRCh38, 1-based): chr21:46,411,981, A>G. VCF-style: chr21-46411981-A-G. GRCh37 (hg19) VCF-style: chr21-47831895-A-G.
Other names: c.5554A>G, p.Met1852Val (NM_001315529.2); short protein forms M1852V, M1970V.
Identifiers: ClinVar variation 3929699 (VCV003929699.2).
Genomic context (GRCh38, chr21:46,411,981, plus strand): 5'-CGGCAGGCCCGCAGAGCCACAGCTCACACACGGGTGCCCGGGGCCCACCCACAGCCTCGC[A>G]TGGATGGTGGCGCCAAGGCCCAGGTCACCGGCGACGTGGAGGCCTCCCATGATGCTGCTT-3'
Protein context (NP_006022.3, residues 1960-1980): RVPGAHPQPR[Met1970Val]DGGAKAQVTG

ClinVar aggregate classification (germline): Conflicting classifications of pathogenicity. Review status: criteria provided, conflicting classifications (1 of 4 stars). 2 submissions from 2 submitters: Uncertain significance (1); Likely benign (1). Last evaluated 2026-06-18.

Conditions:
Inborn genetic diseases. Identifiers: MedGen C0950123, MeSH D030342.
PCNT-related disorder. Also called: PCNT-related condition.

Submissions (2):

PreventionGenetics, part of Exact Sciences
Classification: Uncertain significance for PCNT-related condition. Last evaluated: 2026-06-18. Review status: criteria provided, single submitter. Criteria: ACMG Guidelines, 2015. Collection method: clinical testing. Allele origin: germline.
Comment: The PCNT c.5908A>G variant is predicted to result in the amino acid substitution p.Met1970Val. To our knowledge, this variant has not been reported in the literature. This variant is reported in 0.0068% of alleles in individuals of African descent in gnomAD. At this time, the clinical significance of this variant is uncertain due to the absence of conclusive functional and genetic evidence.

Ambry Genetics
Classification: Likely benign for Inborn genetic diseases. Last evaluated: 2025-05-03. Review status: criteria provided, single submitter. Criteria: Ambry Variant Classification Scheme 2023. Collection method: clinical testing. Allele origin: germline.